The following is an entry in ClinVar:

ClinVar aggregate classification (germline): Uncertain significance (1 of 4 stars; one submission).

Conditions:
Inborn genetic diseases. Identifiers: MedGen C0950123, MeSH D030342.

Submission:

Ambry Genetics
Classification: Uncertain significance for Inborn genetic diseases. Last evaluated: 2024-10-15. Review status: criteria provided, single submitter. Criteria: Ambry Variant Classification Scheme 2023. Collection method: clinical testing. Allele origin: germline.
Comment: The p.V364L variant (also known as c.1090G>C), located in coding exon 8 of the BMPR2 gene, results from a G to C substitution at nucleotide position 1090. The valine at codon 364 is replaced by leucine, an amino acid with highly similar properties. This amino acid position is conserved. In addition, the in silico prediction for this alteration is inconclusive. Based on the available evidence, the clinical significance of this variant remains unclear.

NM_001204.7(BMPR2):c.1090G>C (p.Val364Leu)

Gene: BMPR2 (bone morphogenetic protein receptor type 2; plus strand). Cytogenetic location: 2q33.2.
Variant type: single nucleotide variant.
Coding change: c.1090G>C on transcript NM_001204.7 (MANE Select); coding-DNA position 1090, G replaced by C.
Protein change: p.Val364Leu; replaces valine 364 with leucine.
Molecular consequence: missense variant.
Genome position (GRCh38, 1-based): chr2:202,530,916, G>C. VCF-style: chr2-202530916-G-C. GRCh37 (hg19) VCF-style: chr2-203395639-G-C.
Other names: short protein forms V364L.
Identifiers: ClinVar variation 3481268 (VCV003481268.1).
Genomic context (GRCh38, chr2:202,530,916, plus strand): 5'-GATGGAACCTGTGTTATTAGTGACTTTGGACTGTCCATGAGGCTGACTGGAAATAGACTG[G>C]TGCGCCCAGGGGAGGAAGATAATGCAGCCATAAGCGAGGTGAGTGTATACAAAAGGTATC-3'
Protein context (NP_001195.2, residues 354-374): LSMRLTGNRL[Val364Leu]RPGEEDNAAI